The following is an entry in ClinVar:

NM_000359.3(TGM1):c.758-1G>A

Gene: TGM1 (transglutaminase 1; minus strand). Cytogenetic location: 14q12.
Variant type: single nucleotide variant.
Coding change: c.758-1G>A on transcript NM_000359.3 (MANE Select); the canonical splice acceptor site of the intron before coding-DNA position 758, G replaced by A.
Molecular consequence: splice acceptor variant.
Genome position (GRCh38, 1-based): chr14:24,260,059, C>T on the plus strand (G>A on the coding strand, the complement: TGM1 is on the minus strand). VCF-style: chr14-24260059-C-T. GRCh37 (hg19) VCF-style: chr14-24729265-C-T.
Identifiers: ClinVar variation 942874 (VCV000942874.10), dbSNP rs2040795178, ClinGen allele CA389270894.

ClinVar aggregate classification (germline): Likely pathogenic (1 of 4 stars; one submission).

Allele frequency attached by ClinVar (database versions not stated): gnomAD exomes below 0.00001.
gnomAD v4.1: 4 of 1,611,998 alleles (0.00025%); highest among the groups gnomAD compares: Non-Finnish European, 0.00034%; no homozygotes.

Submission:

Labcorp Genetics (formerly Invitae), Labcorp
Classification: Likely pathogenic. Last evaluated: 2019-06-20. Review status: criteria provided, single submitter. Criteria: Invitae Variant Classification Sherloc (09022015). Collection method: clinical testing. Allele origin: germline.
Comment: This sequence change affects an acceptor splice site in intron 4 of the TGM1 gene. It is expected to disrupt RNA splicing and likely results in an absent or disrupted protein product. This variant is not present in population databases (ExAC no frequency). Disruption of this splice site has been observed in an individual affected with lamellar ichthyosis (PMID: 30847336). Algorithms developed to predict the effect of sequence changes on RNA splicing suggest that this variant may disrupt the consensus splice site, but this prediction has not been confirmed by published transcriptional studies. Donor and acceptor splice site variants typically lead to a loss of protein function (PMID: 16199547), and loss-of-function variants in TGM1 are known to be pathogenic (PMID: 9448282, 18948357, 19241467). In summary, the currently available evidence indicates that the variant is pathogenic, but additional data are needed to prove that conclusively. Therefore, this variant has been classified as Likely Pathogenic.

Literature cited by the submitters: PubMed 30847336; PubMed 16199547; PubMed 9448282; PubMed 18948357; PubMed 19241467.